The following is an entry in ClinVar:

NM_001453.3(FOXC1):c.380G>A (p.Arg127His)

Gene: FOXC1 (forkhead box C1; plus strand). Cytogenetic location: 6p25.3.
Variant type: single nucleotide variant.
Coding change: c.380G>A on transcript NM_001453.3 (MANE Select); coding-DNA position 380, G replaced by A.
Protein change: p.Arg127His; replaces arginine 127 with histidine.
Molecular consequence: missense variant.
Genome position (GRCh38, 1-based): chr6:1,610,825, G>A. VCF-style: chr6-1610825-G-A. GRCh37 (hg19) VCF-style: chr6-1611060-G-A.
Other names: short protein forms R127H.
Identifiers: ClinVar variation 537389 (VCV000537389.29), dbSNP rs1085307884, ClinGen allele CA362558693.

ClinVar aggregate classification (germline): Pathogenic. Review status: criteria provided, multiple submitters, no conflicts (2 of 4 stars). 4 submissions from 4 submitters: Pathogenic (4). Last evaluated 2022-12-15.

Conditions:
FOXC1-related disorder. Also called: FOXC1-related condition.
FOXC1-related disorders.
Axenfeld-Rieger syndrome type 3 (RIEG3). Also called: AXENFELD-RIEGER ANOMALY WITH CARDIAC DEFECTS AND/OR SENSORINEURAL HEARING LOSS. Identifiers: Orphanet 782, MedGen C2678503, MONDO:0011233, OMIM 602482.

Submissions (4):

PreventionGenetics, part of Exact Sciences
Classification: Pathogenic for FOXC1-related condition. Last evaluated: 2022-12-15. Review status: criteria provided, single submitter. Criteria: ACMG Guidelines, 2015. Collection method: clinical testing. Allele origin: germline.
Comment: The FOXC1 c.380G>A variant is predicted to result in the amino acid substitution p.Arg127His. This variant has been reported in a mother and son with Axenfeld-Rieger syndrome, and it was determined the variant arose de novo in the mother (Kawase et al. 2001. PubMed ID: 11740218). This variant has also been reported in two unrelated individuals with Axenfeld-Rieger syndrome (Zhang et al. 2021. PubMed ID: 34745210). Different variants that affect this same amino acid residue (p.Arg127Cys and p.Arg127Leu) have been reported in individuals with Axenfeld-Rieger syndrome (Khalil et al. 2017. PubMed ID: 28979898; Du et al. 2016. PubMed ID: 24914578). This c.380G>A (p.Arg127His) variant has not been reported in a large population database, indicating this variant is rare. Given the evidence, we interpret c.380G>A (p.Arg127His) as pathogenic.

Genomics, Genetics and Epigenetics Laboratory, Medical College of Wisconsin
Classification: Pathogenic for Axenfeld-Rieger syndrome type 3. Last evaluated: 2022-06-23. Review status: criteria provided, single submitter. Criteria: ACMG Guidelines, 2015. Collection method: research. Allele origin: germline. Affected: yes. Observed: 1 variant allele.

Labcorp Genetics (formerly Invitae), Labcorp
Classification: Pathogenic for Axenfeld-Rieger syndrome type 3. Last evaluated: 2022-06-14. Review status: criteria provided, single submitter. Criteria: Invitae Variant Classification Sherloc (09022015). Collection method: clinical testing. Allele origin: germline.
Comment: This variant is not present in population databases (gnomAD no frequency). This sequence change replaces arginine, which is basic and polar, with histidine, which is basic and polar, at codon 127 of the FOXC1 protein (p.Arg127His). This missense change has been observed in individual(s) with Axenfeld-Rieger syndrome (PMID: 11740218; Invitae). In at least one individual the variant was observed to be de novo. It has also been observed to segregate with disease in related individuals. For these reasons, this variant has been classified as Pathogenic. This variant disrupts the p.Arg127 amino acid residue in FOXC1. Other variant(s) that disrupt this residue have been determined to be pathogenic (PMID: 24914578, 28979898; 28979898 24914578). This suggests that this residue is clinically significant, and that variants that disrupt this residue are likely to be disease-causing. Experimental studies have shown that this missense change affects FOXC1 function (PMID: 14506133). Advanced modeling of protein sequence and biophysical properties (such as structural, functional, and spatial information, amino acid conservation, physicochemical variation, residue mobility, and thermodynamic stability) performed at Invitae indicates that this missense variant is expected to disrupt FOXC1 protein function. ClinVar contains an entry for this variant (Variation ID: 537389).

Blueprint Genetics
Classification: Pathogenic for FOXC1-related disorders. Last evaluated: 2020-04-24. Review status: criteria provided, single submitter. Criteria: ACMG Guidelines, 2015. Collection method: clinical testing. Allele origin: germline. Affected: yes. Observed: 2 variant alleles.

Literature cited by the submitters: PubMed 35882526 (cited by Genomics, Genetics and Epigenetics Laboratory, Medical College of Wisconsin); PubMed 11740218 (cited by Labcorp Genetics (formerly Invitae), Labcorp); PubMed 24914578 (cited by Labcorp Genetics (formerly Invitae), Labcorp); PubMed 28979898 (cited by Labcorp Genetics (formerly Invitae), Labcorp); PubMed 14506133 (cited by Labcorp Genetics (formerly Invitae), Labcorp).